The following is an entry in ClinVar:

NM_002591.4(PCK1):c.343C>T (p.Arg115Cys)

Gene: PCK1 (phosphoenolpyruvate carboxykinase 1; plus strand). Cytogenetic location: 20q13.31.
Variant type: single nucleotide variant.
Coding change: c.343C>T on transcript NM_002591.4 (MANE Select); coding-DNA position 343, C replaced by T.
Protein change: p.Arg115Cys; replaces arginine 115 with cysteine.
Molecular consequence: missense variant.
Genome position (GRCh38, 1-based): chr20:57,562,189, C>T. VCF-style: chr20-57562189-C-T. GRCh37 (hg19) VCF-style: chr20-56137245-C-T.
Other names: short protein forms R115C.
Identifiers: ClinVar variation 1895711 (VCV001895711.5), dbSNP rs2070151842, ClinGen allele CA409434779.

ClinVar aggregate classification (germline): Uncertain significance (1 of 4 stars; one submission).

Allele frequency attached by ClinVar (database versions not stated): gnomAD exomes below 0.00001; TOPMed 0.00001.
gnomAD v4.1: 5 of 1,614,102 alleles (0.00031%); highest among the groups gnomAD compares: South Asian, 0.0011%; no homozygotes.

Submission:

Labcorp Genetics (formerly Invitae), Labcorp
Classification: Uncertain significance. Last evaluated: 2022-06-22. Review status: criteria provided, single submitter. Criteria: Invitae Variant Classification Sherloc (09022015). Collection method: clinical testing. Allele origin: germline.
Comment: This sequence change replaces arginine, which is basic and polar, with cysteine, which is neutral and slightly polar, at codon 115 of the PCK1 protein (p.Arg115Cys). This variant is not present in population databases (gnomAD no frequency). This variant has not been reported in the literature in individuals affected with PCK1-related conditions. Algorithms developed to predict the effect of missense changes on protein structure and function output the following: SIFT: "Deleterious"; PolyPhen-2: "Benign"; Align-GVGD: "Class C0". The cysteine amino acid residue is found in multiple mammalian species, which suggests that this missense change does not adversely affect protein function. In summary, the available evidence is currently insufficient to determine the role of this variant in disease. Therefore, it has been classified as a Variant of Uncertain Significance.